The following is an entry in ClinVar:

ClinVar aggregate classification (germline): Uncertain significance. Review status: criteria provided, multiple submitters, no conflicts (2 of 4 stars). 2 submissions from 2 submitters: Uncertain significance (2). Last evaluated 2025-01-01.

Submissions (2):

CeGaT Center for Human Genetics Tuebingen
Classification: Uncertain significance. Last evaluated: 2025-01-01. Review status: criteria provided, single submitter. Criteria: CeGaT Center For Human Genetics Tuebingen Variant Classification Criteria Version 2. Collection method: clinical testing. Allele origin: germline. Affected: yes. Observed: 2 variant alleles.
Comment: UBAP2L: PM2

Ambry Genetics
Classification: Uncertain significance. Last evaluated: 2023-05-16. Review status: criteria provided, single submitter. Criteria: Ambry Variant Classification Scheme 2023. Collection method: clinical testing. Allele origin: germline.

NM_014847.4(UBAP2L):c.1582G>A (p.Val528Ile)

Gene: UBAP2L (ubiquitin associated protein 2 like; plus strand). Cytogenetic location: 1q21.3.
Variant type: single nucleotide variant.
Coding change: c.1582G>A on transcript NM_014847.4 (MANE Select); coding-DNA position 1582, G replaced by A.
Protein change: p.Val528Ile; replaces valine 528 with isoleucine.
Molecular consequence: missense variant.
Genome position (GRCh38, 1-based): chr1:154,251,571, G>A. VCF-style: chr1-154251571-G-A. GRCh37 (hg19) VCF-style: chr1-154224047-G-A.
Other names: c.1582G>A, p.Val528Ile (NM_001127320.3, NM_001375614.1, NM_001375615.1 and 14 more transcripts); c.1561G>A, p.Val521Ile (NM_001287815.1); c.1615G>A, p.Val539Ile (NM_001287816.1, NM_001330730.1, NM_001375612.1 and 2 more transcripts); short protein forms V521I, V539I, V528I.
Identifiers: ClinVar variation 2546748 (VCV002546748.15), dbSNP rs2527950204, ClinGen allele CA342605886.
Genomic context (GRCh38, chr1:154,251,571, plus strand): 5'-TCAGCAGATATCTCAGGGCTAAACCTGCAGTTTGGGGCATTGCAGTTTGGGTCAGAGCCT[G>A]TCCTTTCTGATTATGAGTCCACCCCCACCACGAGCGCCTCTTCAAGCCAGGCTCCAAGTA-3'
Protein context (NP_055662.3, residues 518-538): FGALQFGSEP[Val528Ile]LSDYESTPTT